The following is an entry in ClinVar:

ClinVar aggregate classification (germline): Conflicting classifications of pathogenicity. Review status: criteria provided, conflicting classifications (1 of 4 stars). 2 submissions from 2 submitters: Uncertain significance (1); Likely benign (1). Last evaluated 2025-04-17.

Allele frequency attached by ClinVar (database versions not stated): gnomAD exomes 0.00013; ExAC 0.00014; ESP Exome Variant Server 0.00023; gnomAD 0.00049 and 0.00051; TOPMed 0.00072; 1000 Genomes Project 0.00080; 1000 Genomes Project 30x 0.00094.
gnomAD v4.1: 172 of 1,611,096 alleles (0.011%); highest among the groups gnomAD compares: Middle Eastern, 0.13%; no homozygotes.

Submissions (3):

Labcorp Genetics (formerly Invitae), Labcorp
Classification: Likely benign. Last evaluated: 2025-04-17. Review status: criteria provided, single submitter. Criteria: Invitae Variant Classification Sherloc (09022015). Collection method: clinical testing. Allele origin: germline.

GeneDx
Classification: Uncertain significance. Last evaluated: 2025-04-04. Review status: criteria provided, single submitter. Criteria: GeneDx Variant Classification Process June 2021. Collection method: clinical testing. Allele origin: germline. Affected: yes.
Comment: Has not been previously published as pathogenic or benign to our knowledge; In silico analysis is inconclusive as to whether the variant alters gene splicing. In the absence of RNA/functional studies, the actual effect of this sequence change is unknown.

Dr. Peter K. Rogan Lab, Western University
No classification provided (evidence only). Condition: Familial cancer of breast. Review status: no classification provided. Collection method: in vitro. Allele origin: not applicable. Functional consequence: skipped exon, retained intron. Not counted in ClinVar's aggregate classification.

NM_002488.5(NDUFA2):c.102-11C>G

Genes: NDUFA2 (NADH:ubiquinone oxidoreductase subunit A2; minus strand), TMCO6 (transmembrane and coiled-coil domains 6; plus strand). Cytogenetic location: 5q31.3.
Variant type: single nucleotide variant.
Coding change: c.102-11C>G on transcript NM_002488.5 (MANE Select); 11 bases into the intron before coding-DNA position 102, C replaced by G.
Molecular consequence: intron variant. On other transcripts: non-coding transcript variant (1).
Genome position (GRCh38, 1-based): chr5:140,647,373, G>C on the plus strand (C>G on the coding strand, the complement: NDUFA2 is on the minus strand). VCF-style: chr5-140647373-G-C. GRCh37 (hg19) VCF-style: chr5-140026958-G-C.
Other names: c.102-11C>G (NM_001185012.2).
Identifiers: ClinVar variation 380652 (VCV000380652.14), dbSNP rs201963018, ClinGen allele CA3442518.